The following is an entry in ClinVar:

ClinVar aggregate classification (germline): Uncertain significance (1 of 4 stars; one submission).

Submission:

Labcorp Genetics (formerly Invitae), Labcorp
Classification: Uncertain significance. Last evaluated: 2021-10-22. Review status: criteria provided, single submitter. Criteria: Invitae Variant Classification Sherloc (09022015). Collection method: clinical testing. Allele origin: germline.
Comment: In summary, the available evidence is currently insufficient to determine the role of this variant in disease. Therefore, it has been classified as a Variant of Uncertain Significance. Algorithms developed to predict the effect of missense changes on protein structure and function (SIFT, PolyPhen-2, Align-GVGD) all suggest that this variant is likely to be disruptive. This variant has not been reported in the literature in individuals affected with C11orf70-related conditions. This variant is not present in population databases (gnomAD no frequency). This sequence change replaces lysine, which is basic and polar, with asparagine, which is neutral and polar, at codon 195 of the C11orf70 protein (p.Lys195Asn).

NM_032930.3(CFAP300):c.585G>T (p.Lys195Asn)

Gene: CFAP300 (cilia and flagella associated protein 300; plus strand). Cytogenetic location: 11q22.1.
Variant type: single nucleotide variant.
Coding change: c.585G>T on transcript NM_032930.3 (MANE Select); coding-DNA position 585, G replaced by T.
Protein change: p.Lys195Asn; replaces lysine 195 with asparagine.
Molecular consequence: missense variant. On other transcripts: 3 prime UTR variant (1).
Genome position (GRCh38, 1-based): chr11:102,076,022, G>T. VCF-style: chr11-102076022-G-T. GRCh37 (hg19) VCF-style: chr11-101946753-G-T.
Other names: c.*118G>T (NM_001195005.2); c.585G>T, p.Lys195Asn (NM_001363505.2); short protein forms K195N.
Identifiers: ClinVar variation 1681463 (VCV001681463.5), dbSNP rs376333708, ClinGen allele CA382489800.